The following is an entry in ClinVar:

ClinVar aggregate classification (germline): Benign. Review status: criteria provided, multiple submitters, no conflicts (2 of 4 stars). 3 submissions from 3 submitters: Benign (2). 1 of the submissions does not count toward it. Last evaluated 2026-02-01.

Conditions:
FBN3-related disorder. Also called: FBN3-related condition.

Allele frequency attached by ClinVar (database versions not stated): 1000 Genomes Project 0.03674; 1000 Genomes Project 30x 0.03748; gnomAD exomes 0.00573 and 0.01178; ExAC 0.02623; ESP Exome Variant Server 0.03088; gnomAD 0.03170 and 0.03373; TOPMed 0.03603.
gnomAD v4.1: 13,135 of 1,555,920 alleles (0.84%); highest among the groups gnomAD compares: African/African-American, 10%; 459 homozygotes.

Submissions (3):

Labcorp Genetics (formerly Invitae), Labcorp
Classification: Benign. Last evaluated: 2026-02-01. Review status: criteria provided, single submitter. Criteria: Invitae Variant Classification Sherloc (09022015). Collection method: clinical testing. Allele origin: germline.

Breakthrough Genomics
Classification: Benign. Review status: criteria provided, single submitter. Criteria: ACMG Guidelines, 2015. Collection method: not provided. Allele origin: germline. Inheritance: Unknown mechanism. Affected: yes.

PreventionGenetics, part of Exact Sciences
Classification: Benign for FBN3-related condition. Last evaluated: 2019-10-15. Review status: no assertion criteria provided. Collection method: clinical testing. Allele origin: germline. Not counted in ClinVar's aggregate classification.
Comment: This variant is classified as benign based on ACMG/AMP sequence variant interpretation guidelines (Richards et al. 2015 PMID: 25741868, with internal and published modifications).

NM_032447.5(FBN3):c.3365G>T (p.Gly1122Val)

Gene: FBN3 (fibrillin 3; minus strand). Cytogenetic location: 19p13.2.
Variant type: single nucleotide variant.
Coding change: c.3365G>T on transcript NM_032447.5 (MANE Select); coding-DNA position 3365, G replaced by T.
Protein change: p.Gly1122Val; replaces glycine 1122 with valine.
Molecular consequence: missense variant.
Genome position (GRCh38, 1-based): chr19:8,117,562, C>A on the plus strand (G>T on the coding strand, the complement: FBN3 is on the minus strand). VCF-style: chr19-8117562-C-A. GRCh37 (hg19) VCF-style: chr19-8182446-C-A.
Other names: c.3365G>T, p.Gly1122Val (NM_001321431.2); c.3365G>T (NM_001321431.1); short protein forms G1122V.
Identifiers: ClinVar variation 1652663 (VCV001652663.11), dbSNP rs76321590, ClinGen allele CA9152466.